The following is an entry in ClinVar:

ClinVar aggregate classification (germline): Uncertain significance (1 of 4 stars; one submission).

Conditions:
Hypertrophic cardiomyopathy 26. Also called: Cardiomyopathy, familial hypertrophic, 26. Identifiers: Orphanet 75249, MedGen C4310749, MONDO:0014883, OMIM 617047.
Myofibrillar myopathy 5. Also called: Filaminopathy (type); FILAMINOPATHY, AUTOSOMAL DOMINANT. Identifiers: Orphanet 171445, MedGen C1836050, MONDO:0012289, OMIM 609524.
Distal myopathy with posterior leg and anterior hand involvement. Also called: WILLIAMS DISTAL MYOPATHY. Identifiers: Orphanet 63273, MedGen C3279722, MONDO:0013550, OMIM 614065.

Submission:

Labcorp Genetics (formerly Invitae), Labcorp
Classification: Uncertain significance for Distal myopathy with posterior leg and anterior hand involvement; Myofibrillar myopathy 5; Hypertrophic cardiomyopathy 26. Last evaluated: 2026-01-13. Review status: criteria provided, single submitter. Criteria: Invitae Variant Classification Sherloc (09022015). Collection method: clinical testing. Allele origin: germline.
Comment: This sequence change replaces isoleucine, which is neutral and non-polar, with asparagine, which is neutral and polar, at codon 1421 of the FLNC protein (p.Ile1421Asn). This variant is not present in population databases (gnomAD no frequency). This variant has not been reported in the literature in individuals affected with FLNC-related conditions. Invitae Evidence Modeling of protein sequence and biophysical properties (such as structural, functional, and spatial information, amino acid conservation, physicochemical variation, residue mobility, and thermodynamic stability) has been performed for this missense variant. However, the output from this modeling did not meet the statistical confidence thresholds required to predict the impact of this variant on FLNC protein function. In summary, the available evidence is currently insufficient to determine the role of this variant in disease. Therefore, it has been classified as a Variant of Uncertain Significance.

NM_001458.5(FLNC):c.4262T>A (p.Ile1421Asn)

Gene: FLNC (filamin C; plus strand). Cytogenetic location: 7q32.1.
Variant type: single nucleotide variant.
Coding change: c.4262T>A on transcript NM_001458.5 (MANE Select); coding-DNA position 4262, T replaced by A.
Protein change: p.Ile1421Asn; replaces isoleucine 1421 with asparagine.
Molecular consequence: missense variant.
Genome position (GRCh38, 1-based): chr7:128,846,879, T>A. VCF-style: chr7-128846879-T-A. GRCh37 (hg19) VCF-style: chr7-128486933-T-A.
Other names: c.4262T>A, p.Ile1421Asn (NM_001127487.2); short protein forms I1421N.
Identifiers: ClinVar variation 4812419 (VCV004812419.1).